The following is an entry in ClinVar:

ClinVar aggregate classification (germline): Pathogenic (1 of 4 stars; one submission).

Conditions:
Aspartylglucosaminuria (AGU). Also called: AGA DEFICIENCY; GLYCOASPARAGINASE; GLYCOSYLASPARAGINASE DEFICIENCY; Aspartylglucos-aminuria; Aspartylglucos-amidase (AGA) deficiency. Identifiers: Orphanet 93, MedGen C0268225, MONDO:0008830, OMIM 208400, HP:0012068.

gnomAD v4.1: 6 of 1,613,234 alleles (0.00037%); highest among the groups gnomAD compares: South Asian, 0.0011%; no homozygotes.

Submission:

Institute of Biochemistry, Faculty of Medicine, University of Giessen
Classification: Pathogenic for Aspartylglucosaminuria. Last evaluated: 2026-06-04. Review status: criteria provided, single submitter. Criteria: ACMG Guidelines, 2015. Collection method: research. Allele origin: unknown. Inheritance: Autosomal recessive inheritance. Affected: yes. Observed: 1 variant allele, 1 compound heterozygote.
Comment: R116 is a surface-exposed, highly conserved residue located in an α-helix, and it forms a network of ionic interactions with the surrounding negatively charged residues. Loss of the positive charge upon the R116Q substitution may impair the structural stability of the AGA polypeptide. Overexpression studies in HEK293T cells showed a reduced enzyme activity (10-20% of reference activity) and reduced processing of the precursor protein in subunits. In patient fibroblasts, the residual enzyme activity was measurably, but non-significantly higher than in fibroblasts homozygous for the AGUFin-major pathogenic variant.

Literature cited by the submitters: DOI 10.3389/fchem.2026.1860625.

NM_000027.4(AGA):c.347G>A (p.Arg116Gln)

Gene: AGA (aspartylglucosaminidase; minus strand). Cytogenetic location: 4q34.3.
Variant type: single nucleotide variant.
Coding change: c.347G>A on transcript NM_000027.4 (MANE Select); coding-DNA position 347, G replaced by A.
Protein change: p.Arg116Gln; replaces arginine 116 with glutamine.
Molecular consequence: missense variant. On other transcripts: non-coding transcript variant (1).
Genome position (GRCh38, 1-based): chr4:177,439,623, C>T on the plus strand (G>A on the coding strand, the complement: AGA is on the minus strand). VCF-style: chr4-177439623-C-T. GRCh37 (hg19) VCF-style: chr4-178360777-C-T.
Other names: c.347G>A, p.Arg116Gln (NM_001171988.2).
Identifiers: ClinVar variation 4856810 (VCV004856810.1).